The following is an entry in ClinVar:

ClinVar aggregate classification (germline): Pathogenic (1 of 4 stars; one submission).

Conditions:
Charcot-Marie-Tooth disease type 4. Also called: Charcot-Marie-Tooth, Type 4; Charcot-Marie-Tooth disease, type IV. Identifiers: Orphanet 64749, MedGen C4082197, MONDO:0018995.

Submission:

Labcorp Genetics (formerly Invitae), Labcorp
Classification: Pathogenic for Charcot-Marie-Tooth disease type 4. Last evaluated: 2019-01-16. Review status: criteria provided, single submitter. Criteria: Invitae Variant Classification Sherloc (09022015). Collection method: clinical testing. Allele origin: germline.
Comment: This sequence change creates a premature translational stop signal (p.Gln202*) in the NDRG1 gene. It is expected to result in an absent or disrupted protein product. For these reasons, this variant has been classified as Pathogenic. Loss-of-function variants in NDRG1 are known to be pathogenic (PMID: 12872253, 23996628). This variant has not been reported in the literature in individuals with NDRG1-related conditions. This variant is not present in population databases (ExAC no frequency).

Literature cited by the submitters: PubMed 12872253; PubMed 23996628.

NM_006096.4(NDRG1):c.604C>T (p.Gln202Ter)

Gene: NDRG1 (N-myc downstream regulated 1; minus strand). Cytogenetic location: 8q24.22.
Variant type: single nucleotide variant.
Coding change: c.604C>T on transcript NM_006096.4 (MANE Select); coding-DNA position 604, C replaced by T.
Protein change: p.Gln202Ter; replaces glutamine 202 with a stop codon.
Molecular consequence: nonsense.
Genome position (GRCh38, 1-based): chr8:133,250,534, G>A on the plus strand (C>T on the coding strand, the complement: NDRG1 is on the minus strand). VCF-style: chr8-133250534-G-A. GRCh37 (hg19) VCF-style: chr8-134262777-G-A.
Other names: c.604C>T, p.Gln202Ter (NM_001135242.2, NM_001374845.1, NM_001374846.1); c.406C>T, p.Gln136Ter (NM_001258432.2, NM_001374847.1); c.361C>T, p.Gln121Ter (NM_001258433.2); c.655C>T, p.Gln219Ter (NM_001374844.1); short protein forms Q136*, Q121*, Q202*, Q219*.
Identifiers: ClinVar variation 845545 (VCV000845545.7), dbSNP rs1855957969, ClinGen allele CA372255479.